The following is an entry in ClinVar:

NM_000440.3(PDE6A):c.2507-1G>T

Gene: PDE6A (phosphodiesterase 6A; minus strand). Cytogenetic location: 5q32.
Variant type: single nucleotide variant.
Coding change: c.2507-1G>T on transcript NM_000440.3 (MANE Select); the canonical splice acceptor site of the intron before coding-DNA position 2507, G replaced by T.
Molecular consequence: splice acceptor variant.
Genome position (GRCh38, 1-based): chr5:149,860,972, C>A on the plus strand (G>T on the coding strand, the complement: PDE6A is on the minus strand). VCF-style: chr5-149860972-C-A. GRCh37 (hg19) VCF-style: chr5-149240535-C-A.
Other names: c.2264-1G>T (NM_001410788.1).
Identifiers: ClinVar variation 2130643 (VCV002130643.4), dbSNP rs1581142001, ClinGen allele CA361708668.

ClinVar aggregate classification (germline): Uncertain significance (1 of 4 stars; one submission).

Submission:

Labcorp Genetics (formerly Invitae), Labcorp
Classification: Uncertain significance. Last evaluated: 2022-05-04. Review status: criteria provided, single submitter. Criteria: Invitae Variant Classification Sherloc (09022015). Collection method: clinical testing. Allele origin: germline.
Comment: In summary, the available evidence is currently insufficient to determine the role of this variant in disease. Therefore, it has been classified as a Variant of Uncertain Significance. Variants that disrupt the consensus splice site are a relatively common cause of aberrant splicing (PMID: 17576681, 9536098). Algorithms developed to predict the effect of sequence changes on RNA splicing suggest that this variant may disrupt the consensus splice site. This variant has not been reported in the literature in individuals affected with PDE6A-related conditions. This variant is not present in population databases (gnomAD no frequency). This sequence change affects an acceptor splice site in intron 21 of the PDE6A gene. While this variant is not anticipated to result in nonsense mediated decay, it likely alters RNA splicing and results in a disrupted protein product.

Literature cited by the submitters: PubMed 17576681; PubMed 9536098.